The following continues an entry in ClinVar:

NM_000435.3(NOTCH3):c.1630C>T (p.Arg544Cys)

Gene: NOTCH3. ClinVar aggregate classification (germline): Pathogenic/Likely pathogenic. Pathogenic (14); Likely pathogenic (7).

Submissions 19 to 22 of 22:

Clinical Genetics Service, Universitary Hospital 12 de Octubre
Classification: Pathogenic for Cerebral arteriopathy, autosomal dominant, with subcortical infarcts and leukoencephalopathy, type 1. Review status: criteria provided, single submitter. Criteria: ACMG Guidelines, 2015. Collection method: clinical testing. Allele origin: germline. Affected: yes.

Department of Traditional Chinese Medicine, Fujian Provincial Hospital
Classification: Likely pathogenic for Cerebral arteriopathy, autosomal dominant, with subcortical infarcts and leukoencephalopathy, type 1. Review status: criteria provided, single submitter. Criteria: ACMG Guidelines, 2015. Collection method: research. Allele origin: inherited.
Comment: The missense variant c.1630C>T (p.Arg544Cys) in the NOTCH3 gene is classified as Likely Pathogenic. The ACMG evidence is specified as follows: 1.PS4: This variant is frequently detected in East Asian CADASIL patients and is considered the most common variant in this population, potentially a founder variant. Its frequency is significantly higher in affected individuals compared to control populations (PMID: 31792094, 30656190, 30199759). 2.PM1: The variant is located in a critical functional domain of the NOTCH3 protein (e.g., EGF-like repeat domain), which is a known mutational hotspot for pathogenic variants. 3.PP1: This variant co-segregates with disease phenotypes in several families. 4.PP4: The clinical manifestations of patients carrying this variant (such as migraines, subcortical infarcts, leukoaraiosis, etc.) are highly specific to the typical phenotype of CADASIL syndrome (refer to the OMIM phenotype description in the report).

Juno Genomics, Hangzhou Juno Genomics, Inc
Classification: Likely pathogenic for Myofibromatosis, infantile, 2; Cerebral arteriopathy, autosomal dominant, with subcortical infarcts and leukoencephalopathy, type 1; Cerebral arteriopathy, autosomal recessive, with subcortical infarcts and leukoencephalopathy 1; Lateral meningocele syndrome; Familial partial lipodystrophy, Kobberling type. Review status: criteria provided, single submitter. Criteria: ACMG Guidelines, 2015. Collection method: clinical testing. Allele origin: germline.
Comment: Located in a mutational hot spot and/or critical and well-established functional domain without benign variation.;The prevalence of the variant in affected individuals is significantly increased compared to the prevalence in controls.;Patient's phenotype or family history is highly specific for a disease with a single genetic etiology.

GeneReviews
No classification provided. Condition: Cerebral arteriopathy, autosomal dominant, with subcortical infarcts and leukoencephalopathy, type 1. Review status: no classification provided. Collection method: literature only. Allele origin: germline. Not counted in ClinVar's aggregate classification.

Literature cited by the submitters: PubMed 16717210 (cited by 4 submitters); PubMed 19242647 (cited by 6 submitters); PubMed 26308724 (cited by 8 submitters); PubMed 30906334 (cited by 3 submitters); PubMed 31792094 (cited by 5 submitters); PubMed 25692567 (cited by 3billion and Athena Diagnostics); PubMed 10371548 (cited by 6 submitters); PubMed 32277177 (cited by 3billion and Athena Diagnostics); PubMed 19252787 (cited by 4 submitters); PubMed 23602593 (cited by 5 submitters); PubMed 26002683 (cited by Mayo Clinic Laboratories, Mayo Clinic and Athena Diagnostics); PubMed 27844030 (cited by Mayo Clinic Laboratories, Mayo Clinic); PubMed 30656190 (cited by 4 submitters); PubMed 31433517 (cited by Mayo Clinic Laboratories, Mayo Clinic); PubMed 34335700 (cited by Mayo Clinic Laboratories, Mayo Clinic); PubMed 30199759 (cited by Athena Diagnostics and Department of Traditional Chinese Medicine, Fujian Provincial Hospital); PubMed 24480794 (cited by Athena Diagnostics); PubMed 24344756 (cited by Athena Diagnostics); PubMed 24139282 (cited by 3 submitters); PubMed 23847153 (cited by 3 submitters); PubMed 17135568 (cited by Athena Diagnostics and Pittsburgh Clinical Genomics Laboratory, University of Pittsburgh Medical Center); PubMed 25033846 (cited by Athena Diagnostics); PubMed 25959358 (cited by Athena Diagnostics); PubMed 26671140 (cited by Athena Diagnostics); PubMed 19488673 (cited by Pittsburgh Clinical Genomics Laboratory, University of Pittsburgh Medical Center); PubMed 16580020 (cited by Pittsburgh Clinical Genomics Laboratory, University of Pittsburgh Medical Center); PubMed 11571335 (cited by Pittsburgh Clinical Genomics Laboratory, University of Pittsburgh Medical Center); PubMed 21852154 (cited by Pittsburgh Clinical Genomics Laboratory, University of Pittsburgh Medical Center and Illumina Laboratory Services, Illumina); PubMed 12821764 (cited by Pittsburgh Clinical Genomics Laboratory, University of Pittsburgh Medical Center); PubMed 18207319 (cited by Pittsburgh Clinical Genomics Laboratory, University of Pittsburgh Medical Center); PubMed 22259617 (cited by Pittsburgh Clinical Genomics Laboratory, University of Pittsburgh Medical Center); PubMed 22133740 (cited by Pittsburgh Clinical Genomics Laboratory, University of Pittsburgh Medical Center); PubMed 20975277 (cited by Pittsburgh Clinical Genomics Laboratory, University of Pittsburgh Medical Center); PubMed 32457593 (cited by Women's Health and Genetics/Laboratory Corporation of America, LabCorp); PubMed 20301673 (cited by GeneReviews).